The following is an entry in ClinVar:

NM_001127208.3(TET2):c.2249T>C (p.Ile750Thr)

Genes: TET2 (tet methylcytosine dioxygenase 2; plus strand), TET2-AS1 (TET2 antisense RNA 1; minus strand). Cytogenetic location: 4q24.
Variant type: single nucleotide variant.
Coding change: c.2249T>C on transcript NM_001127208.3 (MANE Select); coding-DNA position 2249, T replaced by C.
Protein change: p.Ile750Thr; replaces isoleucine 750 with threonine.
Molecular consequence: missense variant.
Genome position (GRCh38, 1-based): chr4:105,236,191, T>C. VCF-style: chr4-105236191-T-C. GRCh37 (hg19) VCF-style: chr4-106157348-T-C.
Other names: c.2249T>C, p.Ile750Thr (NM_017628.4); short protein forms I750T.
Identifiers: ClinVar variation 3806043 (VCV003806043.1).

ClinVar aggregate classification (germline): Uncertain significance (1 of 4 stars; one submission).

gnomAD v4.1: 1 of 1,613,612 alleles (0.000062%); no homozygotes.

Submission:

Ambry Genetics
Classification: Uncertain significance. Last evaluated: 2025-02-08. Review status: criteria provided, single submitter. Criteria: Ambry Variant Classification Scheme 2023. Collection method: clinical testing. Allele origin: germline.
Comment: The p.I750T variant (also known as c.2249T>C), located in coding exon 1 of the TET2 gene, results from a T to C substitution at nucleotide position 2249. The isoleucine at codon 750 is replaced by threonine, an amino acid with similar properties. This amino acid position is conserved. In addition, this alteration is predicted to be tolerated by in silico analysis. Based on the available evidence, the clinical significance of this variant remains unclear.